The following is an entry in ClinVar:

NM_001122681.2(SH3BP2):c.1439C>G (p.Pro480Arg)

Gene: SH3BP2 (SH3 domain binding protein 2; plus strand). Cytogenetic location: 4p16.3.
Variant type: single nucleotide variant.
Coding change: c.1439C>G on transcript NM_001122681.2 (MANE Select); coding-DNA position 1439, C replaced by G.
Protein change: p.Pro480Arg; replaces proline 480 with arginine.
Molecular consequence: missense variant.
Genome position (GRCh38, 1-based): chr4:2,832,363, C>G. VCF-style: chr4-2832363-C-G. GRCh37 (hg19) VCF-style: chr4-2834090-C-G.
Other names: c.1523C>G, p.Pro508Arg (LRG_1334t2, NM_001145855.2); c.1610C>G, p.Pro537Arg (NM_001145856.2); c.1439C>G, p.Pro480Arg (NM_003023.4, LRG_1334t1); short protein forms P508R, P537R, P480R.
Identifiers: ClinVar variation 652010 (VCV000652010.9), dbSNP rs565191421, ClinGen allele CA91412897.

ClinVar aggregate classification (germline): Uncertain significance (1 of 4 stars; one submission).

Conditions:
Fibrous dysplasia of jaw (CRBM). Also called: Cherubism. Identifiers: Orphanet 184, MedGen C0008029, MONDO:0007315, OMIM 118400.

Allele frequency attached by ClinVar (database versions not stated): TOPMed 0.00001; 1000 Genomes Project 30x 0.00016; 1000 Genomes Project 0.00020.
gnomAD v4.1: 7 of 1,614,086 alleles (0.00043%); highest among the groups gnomAD compares: Admixed American, 0.0083%; no homozygotes.

Submission:

Labcorp Genetics (formerly Invitae), Labcorp
Classification: Uncertain significance for Fibrous dysplasia of jaw. Last evaluated: 2025-10-07. Review status: criteria provided, single submitter. Criteria: Invitae Variant Classification Sherloc (09022015). Collection method: clinical testing. Allele origin: germline.
Comment: This sequence change replaces proline, which is neutral and non-polar, with arginine, which is basic and polar, at codon 480 of the SH3BP2 protein (p.Pro480Arg). This variant is present in population databases (rs565191421, gnomAD 0.003%). This variant has not been reported in the literature in individuals affected with SH3BP2-related conditions. ClinVar contains an entry for this variant (Variation ID: 652010). Invitae Evidence Modeling of protein sequence and biophysical properties (such as structural, functional, and spatial information, amino acid conservation, physicochemical variation, residue mobility, and thermodynamic stability) indicates that this missense variant is not expected to disrupt SH3BP2 protein function with a negative predictive value of 95%. In summary, the available evidence is currently insufficient to determine the role of this variant in disease. Therefore, it has been classified as a Variant of Uncertain Significance.